The following is an entry in ClinVar:

NM_004722.4(AP4M1):c.974+1G>A

Gene: AP4M1 (adaptor related protein complex 4 subunit mu 1; plus strand). Cytogenetic location: 7q22.1.
Variant type: single nucleotide variant.
Coding change: c.974+1G>A on transcript NM_004722.4 (MANE Select); the canonical splice donor site of the intron after coding-DNA position 974, G replaced by A.
Molecular consequence: splice donor variant. On other transcripts: non-coding transcript variant (1).
Genome position (GRCh38, 1-based): chr7:100,106,004, G>A. VCF-style: chr7-100106004-G-A. GRCh37 (hg19) VCF-style: chr7-99703627-G-A.
Other names: c.974+1G>A (NM_001438825.1, NM_001438826.1, NM_001438828.1); c.995+1G>A (NM_001438824.1, NM_001363671.2, NM_001438827.1); c.590+1G>A (NM_001438831.1, NM_001438832.1); c.770+1G>A (NM_001438829.1, NM_001438830.1).
Identifiers: ClinVar variation 4855515 (VCV004855515.1).

ClinVar aggregate classification (germline): Pathogenic (1 of 4 stars; one submission).

Conditions:
Hereditary spastic paraplegia 50 (SPG50). Also called: Spastic paraplegia 50, autosomal recessive. Identifiers: Orphanet 280763, MedGen C2752008, MONDO:0013048, OMIM 612936.

gnomAD v4.1: 1 of 1,614,160 alleles (0.000062%); no homozygotes.

Submission:

3billion
Classification: Pathogenic for Hereditary spastic paraplegia 50. Last evaluated: 2025-08-20. Review status: criteria provided, single submitter. Criteria: ACMG Guidelines, 2015. Collection method: clinical testing. Allele origin: germline. Affected: yes.
Comment: The variant is observed at an extremely low frequency in the gnomAD v4.1.0 dataset (total allele frequency: <0.001%). Predicted Consequence/Location: Canonical splice site: predicted to alter splicing and result in a loss or disruption of normal protein function. Multiple pathogenic loss-of-function variants are reported downstream of the variant. In silico tools predict the variant to alter splicing and produce an abnormal transcript [SpliceAI: 0.70 (spliceogenicity >=0.2, non-spliceogenicity <0.1)]. The variant has been reported to be associated with AP4M1-related disorder (PMID: 29302074). Therefore, this variant is classified as Pathogenic according to the recommendation of ACMG/AMP guideline.

Literature cited by the submitters: PubMed 29302074.